The following is an entry in ClinVar:

NM_005431.2(XRCC2):c.709C>T (p.His237Tyr)

Gene: XRCC2 (X-ray repair cross complementing 2; minus strand). Cytogenetic location: 7q36.1.
Variant type: single nucleotide variant.
Coding change: c.709C>T on transcript NM_005431.2 (MANE Select); coding-DNA position 709, C replaced by T.
Protein change: p.His237Tyr; replaces histidine 237 with tyrosine.
Molecular consequence: missense variant.
Genome position (GRCh38, 1-based): chr7:152,648,776, G>A on the plus strand (C>T on the coding strand, the complement: XRCC2 is on the minus strand). VCF-style: chr7-152648776-G-A. GRCh37 (hg19) VCF-style: chr7-152345861-G-A.
Other names: short protein forms H237Y.
Identifiers: ClinVar variation 4202873 (VCV004202873.1).
Genomic context (GRCh38, chr7:152,648,776, plus strand): 5'-AAACTAATGAAAATTGGTTGCTGCTTTGAGAATCATCTTGTTTGGAGAAAAACATCCTGT[G>A]CTTCACCAGTTGCTGCCATGCCTTACAGAGATAAGGTCTGTAGTCTATGTCCACATCACA-3'
Protein context (NP_005422.1, residues 227-247): LCKAWQQLVK[His237Tyr]RMFFSKQDDS

ClinVar aggregate classification (germline): Uncertain significance (1 of 4 stars; one submission).

Conditions:
Hereditary cancer-predisposing syndrome. Also called: Neoplastic Syndromes, Hereditary; Tumor predisposition; Hereditary Cancer Syndrome; Hereditary neoplastic syndrome. Identifiers: Orphanet 140162, MedGen C0027672, MeSH D009386, MONDO:0015356.

Submission:

Ambry Genetics
Classification: Uncertain significance for Hereditary cancer-predisposing syndrome. Last evaluated: 2025-09-11. Review status: criteria provided, single submitter. Criteria: Ambry Variant Classification Scheme 2023. Collection method: clinical testing. Allele origin: germline.
Comment: The p.H237Y variant (also known as c.709C>T), located in coding exon 3 of the XRCC2 gene, results from a C to T substitution at nucleotide position 709. The histidine at codon 237 is replaced by tyrosine, an amino acid with similar properties. This amino acid position is conserved. In addition, this alteration is predicted to be tolerated by in silico analysis. Based on the available evidence, the clinical significance of this variant remains unclear.